The following is an entry in ClinVar:

NM_001372066.1(TFAP2A):c.246C>T (p.Tyr82=)

Gene: TFAP2A (transcription factor AP-2 alpha; minus strand). Cytogenetic location: 6p24.3.
Variant type: single nucleotide variant.
Coding change: c.246C>T on transcript NM_001372066.1 (MANE Select); coding-DNA position 246, C replaced by T.
Protein change: p.Tyr82=; no amino-acid change (tyrosine 82 retained).
Molecular consequence: synonymous variant.
Genome position (GRCh38, 1-based): chr6:10,410,141, G>A on the plus strand (C>T on the coding strand, the complement: TFAP2A is on the minus strand). VCF-style: chr6-10410141-G-A. GRCh37 (hg19) VCF-style: chr6-10410374-G-A.
Other names: NM_003220.2:c.240C>T; c.222C>T, p.Tyr74= (NM_001032280.3); c.228C>T, p.Tyr76= (NM_001042425.3).
Identifiers: ClinVar variation 744369 (VCV000744369.4), dbSNP rs767736500, ClinGen allele CA3631371.
Genomic context (GRCh38, chr6:10,410,141, plus strand): 5'-CCTCTGGCCGGGCCAGCCTGGGTGCTGCGGCTGCGGCTGGGCGTGCAGGGGGTTCAGGCT[G>A]TAGGGGTCGTTGACGTGGGAGTAAGGATCTTGCGACTGGGGGTAGATAGGCTGGTAGGGT-3'
Protein context (NP_001358995.1, residues 72-92): QDPYSHVNDP[Tyr82=]SLNPLHAQPQ

ClinVar aggregate classification (germline): Likely benign. Review status: criteria provided, multiple submitters, no conflicts (2 of 4 stars). 2 submissions from 2 submitters: Likely benign (2). Last evaluated 2026-08-01.

Allele frequency attached by ClinVar (database versions not stated): TOPMed 0.00002; ExAC 0.00008; gnomAD exomes 0.00008 and 0.00002; gnomAD 0.00001.
gnomAD v4.1: 13 of 1,611,612 alleles (0.00081%); highest among the groups gnomAD compares: East Asian, 0.029%; no homozygotes.

Submissions (2):

CeGaT Center for Human Genetics Tuebingen
Classification: Likely benign. Last evaluated: 2026-08-01. Review status: criteria provided, single submitter. Criteria: CeGaT Center For Human Genetics Tuebingen Variant Classification Criteria Version 2. Collection method: clinical testing. Allele origin: germline. Affected: yes. Observed: 1 variant allele.
Comment: TFAP2A: BP4, BP7

Labcorp Genetics (formerly Invitae), Labcorp
Classification: Likely benign. Last evaluated: 2018-05-16. Review status: criteria provided, single submitter. Criteria: Invitae Variant Classification Sherloc (09022015). Collection method: clinical testing. Allele origin: germline.